The following is an entry in ClinVar:

ClinVar aggregate classification (germline): Pathogenic (1 of 4 stars; one submission).

Conditions:
Jeune thoracic dystrophy. Also called: Jeune syndrome; Infantile thoracic dystrophy; Thoracic pelvic phalangeal dystrophy; Jeune's syndrome; Chondroectodermal dysplasia-like syndrome; Short-rib thoracic dysplasia. Identifiers: Orphanet 474, MedGen C0265275, MONDO:0018770.

Submission:

Labcorp Genetics (formerly Invitae), Labcorp
Classification: Pathogenic for Jeune thoracic dystrophy. Last evaluated: 2023-10-24. Review status: criteria provided, single submitter. Criteria: Invitae Variant Classification Sherloc (09022015). Collection method: clinical testing. Allele origin: germline.
Comment: This variant, c.4625_4627del, results in the deletion of 1 amino acid(s) of the DYNC2H1 protein (p.Ala1542del), but otherwise preserves the integrity of the reading frame. This variant is not present in population databases (gnomAD no frequency). This variant has not been reported in the literature in individuals affected with DYNC2H1-related conditions. This variant disrupts a region of the DYNC2H1 protein in which other variant(s) (p.Ala1542Val) have been determined to be pathogenic (PMID: 27353043, 29068549, 35929941). This suggests that this is a clinically significant region of the protein, and that variants that disrupt it are likely to be disease-causing. For these reasons, this variant has been classified as Pathogenic.

Literature cited by the submitters: PubMed 27353043; PubMed 29068549; PubMed 35929941.

NM_001377.3(DYNC2H1):c.4625_4627del (p.Ala1542del)

Gene: DYNC2H1 (dynein cytoplasmic 2 heavy chain 1; plus strand). Cytogenetic location: 11q22.3.
Variant type: Deletion.
Coding change: c.4625_4627del on transcript NM_001377.3 (MANE Select); coding-DNA positions 4625 to 4627, 3 bases deleted (CGG; older notation c.4625_4627delCGG).
Protein change: p.Ala1542del; deletes alanine 1542.
Molecular consequence: inframe deletion.
Genome position (GRCh38, 1-based): chr11:103,165,911-103,165,913, CGG deleted; deleting any 3 consecutive bases within chr11:103,165,909-103,165,913 gives the same sequence; the c. name uses the placement nearest the transcript's 3' end. VCF-style (leftmost placement, unchanged base first): chr11-103165908-TGGC-T. GRCh37 (hg19) VCF-style: chr11-103036637-TGGC-T.
Other names: c.4625_4627del, p.Ala1542del (NM_001080463.2); short protein forms A1542del.
Identifiers: ClinVar variation 2861660 (VCV002861660.3), dbSNP rs2497112470, ClinGen allele CA2739270851.
Genomic context (GRCh38, chr11:103,165,908, plus strand): 5'-TTTCTAAGTAAATTCACCTTTTAAAAATAATTTTTCTCTTTATTCAATAGATTTTATGCT[TGGC>T]GGAGCAGATTAAATTCACTGAAGATGTAGAAAATGCTATTAAAGATCATAGTCTTCATCA-3'